The following is an entry in ClinVar:

ClinVar aggregate classification (germline): Uncertain significance (1 of 4 stars; one submission).

Conditions:
Chédiak-Higashi syndrome (CHS). Also called: Chediak-Higashi Syndrome. Identifiers: Orphanet 167, MedGen C0007965, MONDO:0008963, OMIM 214500.

Submission:

Labcorp Genetics (formerly Invitae), Labcorp
Classification: Uncertain significance for Chédiak-Higashi syndrome. Last evaluated: 2024-02-04. Review status: criteria provided, single submitter. Criteria: Invitae Variant Classification Sherloc (09022015). Collection method: clinical testing. Allele origin: germline.
Comment: This sequence change replaces leucine, which is neutral and non-polar, with phenylalanine, which is neutral and non-polar, at codon 100 of the LYST protein (p.Leu100Phe). This variant is present in population databases (rs372351602, gnomAD 0.007%). This variant has not been reported in the literature in individuals affected with LYST-related conditions. Advanced modeling of protein sequence and biophysical properties (such as structural, functional, and spatial information, amino acid conservation, physicochemical variation, residue mobility, and thermodynamic stability) performed at Invitae indicates that this missense variant is not expected to disrupt LYST protein function with a negative predictive value of 80%. In summary, the available evidence is currently insufficient to determine the role of this variant in disease. Therefore, it has been classified as a Variant of Uncertain Significance.

NM_000081.4(LYST):c.298C>T (p.Leu100Phe)

Gene: LYST (lysosomal trafficking regulator; minus strand). Cytogenetic location: 1q42.3.
Variant type: single nucleotide variant.
Coding change: c.298C>T on transcript NM_000081.4 (MANE Select); coding-DNA position 298, C replaced by T.
Protein change: p.Leu100Phe; replaces leucine 100 with phenylalanine.
Molecular consequence: missense variant.
Genome position (GRCh38, 1-based): chr1:235,810,520, G>A on the plus strand (C>T on the coding strand, the complement: LYST is on the minus strand). VCF-style: chr1-235810520-G-A. GRCh37 (hg19) VCF-style: chr1-235973820-G-A.
Other names: c.298C>T, p.Leu100Phe (NM_001301365.1); short protein forms L100F.
Identifiers: ClinVar variation 3730356 (VCV003730356.2).
Genomic context (GRCh38, chr1:235,810,520, plus strand): 5'-CCTGAGTGGATCTTTGTGAACTTGAGTTCTTTTCTTTGGTCAGGATTATATCTGCTGAGA[G>A]CGGTAGGTTAAAATCTAATGGAATGAAAAAAGAAGGCTTAGAATACCTCAATATGTTTTA-3'
Protein context (NP_000072.2, residues 90-110): EEKATDFNLP[Leu100Phe]SADIILTKEK